The following is an entry in ClinVar:

NM_001277115.2(DNAH11):c.6546+157A>G

Gene: DNAH11 (dynein axonemal heavy chain 11; plus strand). Cytogenetic location: 7p15.3.
Variant type: single nucleotide variant.
Coding change: c.6546+157A>G on transcript NM_001277115.2 (MANE Select); 157 bases into the intron after coding-DNA position 6546, A replaced by G.
Molecular consequence: intron variant.
Genome position (GRCh38, 1-based): chr7:21,705,694, A>G. VCF-style: chr7-21705694-A-G. GRCh37 (hg19) VCF-style: chr7-21745312-A-G.
Identifiers: ClinVar variation 1706914 (VCV001706914.2), dbSNP rs565037854, ClinGen allele CA12557552.
Genomic context (GRCh38, chr7:21,705,694, plus strand): 5'-CCATGAAGCCCACCATAATTTTGGGTCAGAATCTGAGACTGGAATCTTGCTGCTTGATCA[A>G]TTGACATTCTTTTCCTTTATATTGGGTCAGCGGGGGGAGAACAAGAAACAAATAGAGGAT-3'

ClinVar aggregate classification (germline): Likely benign (1 of 4 stars; one submission).

Allele frequency attached by ClinVar (database versions not stated): 1000 Genomes Project 30x 0.00078; 1000 Genomes Project 0.00100; TOPMed 0.00280; gnomAD 0.00444.
gnomAD v4.1: 676 of 152,256 alleles (0.44%); highest among the groups gnomAD compares: Middle Eastern, 1.7%; 4 homozygotes.

Submission:

GeneDx
Classification: Likely benign. Last evaluated: 2018-11-10. Review status: criteria provided, single submitter. Criteria: GeneDx Variant Classification Process June 2021. Collection method: clinical testing. Allele origin: germline. Affected: yes.
Comment: See Variant Classification Assertion Criteria.